The following is an entry in ClinVar:

NM_000038.6(APC):c.386A>G (p.Glu129Gly)

Gene: APC (APC regulator of Wnt signaling pathway; plus strand). Cytogenetic location: 5q22.2.
Variant type: single nucleotide variant.
Coding change: c.386A>G on transcript NM_000038.6 (MANE Select); coding-DNA position 386, A replaced by G.
Protein change: p.Glu129Gly; replaces glutamic acid 129 with glycine.
Molecular consequence: missense variant. On other transcripts: 5 prime UTR variant (1).
Genome position (GRCh38, 1-based): chr5:112,767,354, A>G. VCF-style: chr5-112767354-A-G. GRCh37 (hg19) VCF-style: chr5-112103051-A-G.
Other names: c.386A>G, p.Glu129Gly (NM_001127510.3, NM_001354895.2, NM_001354896.2 and 2 more transcripts); c.416A>G, p.Glu139Gly (NM_001127511.3, NM_001354897.2, NM_001354902.2); c.311A>G, p.Glu104Gly (NM_001354898.2, NM_001354904.2); c.209A>G, p.Glu70Gly (NM_001354900.2, NM_001354901.2, NM_001354905.2); c.-650A>G (NM_001354906.2); short protein forms E104G, E129G, E70G, E139G.
Identifiers: ClinVar variation 660533 (VCV000660533.14), dbSNP rs759662717, ClinGen allele CA036843.

ClinVar aggregate classification (germline): Uncertain significance. Review status: criteria provided, multiple submitters, no conflicts (2 of 4 stars). 4 submissions from 4 submitters: Uncertain significance (4). Last evaluated 2026-02-06.

Conditions:
Familial adenomatous polyposis 1 (FAP1). Also called: FAMILIAL ADENOMATOUS POLYPOSIS 1, ATTENUATED; POLYPOSIS, ADENOMATOUS INTESTINAL. Identifiers: MedGen C2713442, MONDO:0021056, OMIM 175100. Disease mechanism: loss of function.
Hereditary cancer-predisposing syndrome. Also called: Neoplastic Syndromes, Hereditary; Hereditary neoplastic syndrome; Tumor predisposition; Hereditary Cancer Syndrome. Identifiers: Orphanet 140162, MedGen C0027672, MeSH D009386, MONDO:0015356.

Allele frequency attached by ClinVar (database versions not stated): gnomAD exomes below 0.00001; ExAC 0.00001.
gnomAD v4.1: 3 of 1,614,134 alleles (0.00019%); highest among the groups gnomAD compares: South Asian, 0.0011%; no homozygotes.

Submissions (4):

Ambry Genetics
Classification: Uncertain significance for Hereditary cancer-predisposing syndrome. Last evaluated: 2026-02-06. Review status: criteria provided, single submitter. Criteria: Ambry Variant Classification Scheme 2023. Collection method: clinical testing. Allele origin: germline.
Comment: The p.E129G variant (also known as c.386A>G), located in coding exon 3 of the APC gene, results from an A to G substitution at nucleotide position 386. The glutamic acid at codon 129 is replaced by glycine, an amino acid with similar properties. This amino acid position is highly conserved in available vertebrate species. Based on the available evidence, the clinical significance of this variant remains unclear.

Labcorp Genetics (formerly Invitae), Labcorp
Classification: Uncertain significance for Familial adenomatous polyposis 1. Last evaluated: 2024-08-28. Review status: criteria provided, single submitter. Criteria: Invitae Variant Classification Sherloc (09022015). Collection method: clinical testing. Allele origin: germline.
Comment: This sequence change replaces glutamic acid, which is acidic and polar, with glycine, which is neutral and non-polar, at codon 129 of the APC protein (p.Glu129Gly). This variant is present in population databases (rs759662717, gnomAD 0.003%). This variant has not been reported in the literature in individuals affected with APC-related conditions. ClinVar contains an entry for this variant (Variation ID: 660533). Invitae Evidence Modeling of protein sequence and biophysical properties (such as structural, functional, and spatial information, amino acid conservation, physicochemical variation, residue mobility, and thermodynamic stability) indicates that this missense variant is not expected to disrupt APC protein function with a negative predictive value of 95%. In summary, the available evidence is currently insufficient to determine the role of this variant in disease. Therefore, it has been classified as a Variant of Uncertain Significance.

St. Jude Molecular Pathology, St. Jude Children's Research Hospital
Classification: Uncertain significance for Familial adenomatous polyposis 1. Last evaluated: 2023-08-17. Review status: criteria provided, single submitter. Criteria: St. Jude Assertion Criteria 2020. Collection method: clinical testing. Allele origin: germline.
Comment: The APC c.386A>G (p.Glu129Gly) missense change has a maximum subpopulation frequency of 0.0033% in gnomAD v2.1.1. The in silico tool REVEL is inconclusive about a pathogenic or benign effect of this variant on protein function, however this prediction is not considered informative for missense variants affecting the APC gene. To our knowledge functional studies have not been performed and this variant has not been reported in individuals with APC-related familial adenomatous polyposis or attenuated familial adenomatous polyposis. In summary, the evidence currently available is insufficient to determine the clinical significance of this variant. It has therefore been classified as of uncertain significance.

Color Diagnostics, LLC DBA Color Health
Classification: Uncertain significance for Hereditary cancer-predisposing syndrome. Last evaluated: 2019-05-30. Review status: criteria provided, single submitter. Criteria: ACMG Guidelines, 2015. Collection method: clinical testing. Allele origin: germline.